The following is an entry in ClinVar:

NM_001013838.3(CARMIL2):c.1993C>T (p.His665Tyr)

Gene: CARMIL2 (capping protein regulator and myosin 1 linker 2; plus strand). Cytogenetic location: 16q22.1.
Variant type: single nucleotide variant.
Coding change: c.1993C>T on transcript NM_001013838.3 (MANE Select); coding-DNA position 1993, C replaced by T.
Protein change: p.His665Tyr; replaces histidine 665 with tyrosine.
Molecular consequence: missense variant.
Genome position (GRCh38, 1-based): chr16:67,649,879, C>T. VCF-style: chr16-67649879-C-T. GRCh37 (hg19) VCF-style: chr16-67683782-C-T.
Other names: c.1885C>T, p.His629Tyr (NM_001317026.3); short protein forms H629Y, H665Y.
Identifiers: ClinVar variation 1488699 (VCV001488699.6), dbSNP rs2142927162, ClinGen allele CA396339531.

ClinVar aggregate classification (germline): Uncertain significance (1 of 4 stars; one submission).

Allele frequency attached by ClinVar (database versions not stated): gnomAD exomes below 0.00001.
gnomAD v4.1: 2 of 1,612,990 alleles (0.00012%); highest among the groups gnomAD compares: Non-Finnish European, 0.00017%; no homozygotes.

Submission:

Labcorp Genetics (formerly Invitae), Labcorp
Classification: Uncertain significance. Last evaluated: 2025-07-02. Review status: criteria provided, single submitter. Criteria: Invitae Variant Classification Sherloc (09022015). Collection method: clinical testing. Allele origin: germline.
Comment: This sequence change replaces histidine, which is basic and polar, with tyrosine, which is neutral and polar, at codon 665 of the CARMIL2 protein (p.His665Tyr). This variant is not present in population databases (gnomAD no frequency). This variant has not been reported in the literature in individuals affected with CARMIL2-related conditions. ClinVar contains an entry for this variant (Variation ID: 1488699). Invitae Evidence Modeling of protein sequence and biophysical properties (such as structural, functional, and spatial information, amino acid conservation, physicochemical variation, residue mobility, and thermodynamic stability) indicates that this missense variant is not expected to disrupt CARMIL2 protein function with a negative predictive value of 80%. In summary, the available evidence is currently insufficient to determine the role of this variant in disease. Therefore, it has been classified as a Variant of Uncertain Significance.